The following is an entry in ClinVar:

NM_000059.4(BRCA2):c.1459G>T (p.Ala487Ser)

Gene: BRCA2 (BRCA2 DNA repair associated; plus strand). Cytogenetic location: 13q13.1.
Variant type: single nucleotide variant.
Coding change: c.1459G>T on transcript NM_000059.4 (MANE Select); coding-DNA position 1459, G replaced by T.
Protein change: p.Ala487Ser; replaces alanine 487 with serine.
Molecular consequence: missense variant.
Genome position (GRCh38, 1-based): chr13:32,332,937, G>T. VCF-style: chr13-32332937-G-T. GRCh37 (hg19) VCF-style: chr13-32907074-G-T.
Other names: short protein forms A487S.
Identifiers: ClinVar variation 433759 (VCV000433759.4), dbSNP rs1555281914, ClinGen allele CA387764363.

ClinVar aggregate classification (germline): Likely benign. Review status: criteria provided, single submitter (1 of 4 stars). 2 submissions from 2 submitters: Likely benign (1). 1 of the submissions does not count toward it. Last evaluated 2023-03-23.

Conditions:
Breast-ovarian cancer, familial, susceptibility to, 2 (BROVCA2). Also called: BRCA2 Hereditary Breast and Ovarian Cancer. Identifiers: Orphanet 145, MedGen C2675520, MONDO:0012933, OMIM 612555. Disease mechanism: loss of function.
Hereditary cancer-predisposing syndrome. Also called: Hereditary neoplastic syndrome; Tumor predisposition; Neoplastic Syndromes, Hereditary; Hereditary Cancer Syndrome. Identifiers: Orphanet 140162, MedGen C0027672, MeSH D009386, MONDO:0015356.

Submissions (2):

University of Washington Department of Laboratory Medicine, University of Washington
Classification: Likely benign for Hereditary cancer-predisposing syndrome. Last evaluated: 2023-03-23. Review status: criteria provided, single submitter. Criteria: Dines et al. (Genet Med. 2020). Collection method: curation. Allele origin: germline.
Comment: Missense variant in a coldspot region where missense variants are very unlikely to be pathogenic (PMID:31911673).

BRCA2 exon 10 coldspot. Reclassification based on statistical prior probability.

Department of Pathology and Laboratory Medicine, Sinai Health System
Classification: Likely benign for Breast-ovarian cancer, familial, susceptibility to, 2. Review status: no assertion criteria provided. Collection method: clinical testing. Allele origin: unknown. Affected: yes. Observed: 1 variant allele. Study: The Canadian Open Genetics Repository (COGR). Not counted in ClinVar's aggregate classification.
Comment: The p.Ala487Ser variant has not been reported in the literature. This residue is not conserved in mammals and the variant amino acid is present in zebrafish, increaing the likelihood this variant does not have clinical significance. Computational analyses (PolyPhen, SIFT, AlignGVGD, BLOSUM) do not suggest a high likelihood of impact to the protein. However, this information is not predictive enough to rule out pathogenicity. In summary, the clinical significance of this variant could not be determined with certainty at this time, although we would lean towards a more benign role for this variant. This variant is classified as predicted benign.